The following is an entry in ClinVar:

NM_015909.4(NBAS):c.4455C>T (p.Val1485=)

Gene: NBAS (NBAS subunit of NRZ tethering complex; minus strand). Cytogenetic location: 2p24.3.
Variant type: single nucleotide variant.
Coding change: c.4455C>T on transcript NM_015909.4 (MANE Select); coding-DNA position 4455, C replaced by T.
Protein change: p.Val1485=; no amino-acid change (valine 1485 retained).
Molecular consequence: synonymous variant. On other transcripts: non-coding transcript variant (1).
Genome position (GRCh38, 1-based): chr2:15,328,205, G>A on the plus strand (C>T on the coding strand, the complement: NBAS is on the minus strand). VCF-style: chr2-15328205-G-A. GRCh37 (hg19) VCF-style: chr2-15468329-G-A.
Other names: c.4455C>T (NM_015909.3).
Identifiers: ClinVar variation 1616114 (VCV001616114.10), dbSNP rs771496685, ClinGen allele CA1535650.

ClinVar aggregate classification (germline): Likely benign. Review status: criteria provided, single submitter (1 of 4 stars). 2 submissions from 2 submitters: Likely benign (1). 1 of the submissions does not count toward it. Last evaluated 2025-06-30.

Conditions:
NBAS-related disorder. Also called: NBAS-related condition.

Allele frequency attached by ClinVar (database versions not stated): gnomAD 0.00001; ExAC 0.00002; gnomAD exomes 0.00002; TOPMed 0.00002.
gnomAD v4.1: 31 of 1,613,044 alleles (0.0019%); highest among the groups gnomAD compares: Middle Eastern, 0.017%; no homozygotes.

Submissions (2):

Labcorp Genetics (formerly Invitae), Labcorp
Classification: Likely benign. Last evaluated: 2025-06-30. Review status: criteria provided, single submitter. Criteria: Invitae Variant Classification Sherloc (09022015). Collection method: clinical testing. Allele origin: germline.

PreventionGenetics, part of Exact Sciences
Classification: Likely benign for NBAS-related condition. Last evaluated: 2020-01-02. Review status: no assertion criteria provided. Collection method: clinical testing. Allele origin: germline. Not counted in ClinVar's aggregate classification.
Comment: This variant is classified as likely benign based on ACMG/AMP sequence variant interpretation guidelines (Richards et al. 2015 PMID: 25741868, with internal and published modifications).